The following is an entry in ClinVar:

NM_000059.4(BRCA2):c.5065_5066delinsAAA (p.Ala1689fs)

Gene: BRCA2 (BRCA2 DNA repair associated; plus strand). Cytogenetic location: 13q13.1.
Variant type: Indel.
Coding change: c.5065_5066delinsAAA on transcript NM_000059.4 (MANE Select); coding-DNA positions 5065 to 5066, GC replaced by AAA.
Protein change: p.Ala1689fs; shifts the reading frame from alanine 1689.
Molecular consequence: frameshift variant.
Genome position (GRCh38, 1-based): chr13:32,339,420-32,339,421, GC replaced by AAA. VCF-style: chr13-32339420-GC-AAA. GRCh37 (hg19) VCF-style: chr13-32913557-GC-AAA.
Other names: 5293delGCinsAAA; c.5065_5066delGCinsAAA (NM_000059.3); short protein forms A1689fs.
Identifiers: ClinVar variation 51761 (VCV000051761.17), dbSNP rs276174852, ClinGen allele CA021195.

ClinVar aggregate classification (germline): Pathogenic. Review status: reviewed by expert panel (3 of 4 stars). 7 submissions from 7 submitters: Pathogenic (1). 6 of the submissions do not count toward it. Last evaluated 2016-09-08.

Conditions:
Hereditary cancer-predisposing syndrome. Also called: Neoplastic Syndromes, Hereditary; Tumor predisposition; Hereditary neoplastic syndrome; Hereditary Cancer Syndrome. Identifiers: Orphanet 140162, MedGen C0027672, MeSH D009386, MONDO:0015356.
Hereditary breast ovarian cancer syndrome. Also called: Hereditary breast and ovarian cancer syndrome; Hereditary breast and ovarian cancer; Hereditary breast and ovarian cancer syndrome (HBOC); Breast and ovarian cancer; Hereditary breast and/or ovarian cancer syndrome; BRCA1- and BRCA2-Associated Hereditary Breast and Ovarian Cancer. Identifiers: Orphanet 145, MedGen C0677776, MeSH D061325, MONDO:0003582. Disease mechanism: loss of function.
Breast-ovarian cancer, familial, susceptibility to, 2 (BROVCA2). Also called: BRCA2 Hereditary Breast and Ovarian Cancer. Identifiers: Orphanet 145, MedGen C2675520, MONDO:0012933, OMIM 612555. Disease mechanism: loss of function.

Submissions (7):

Evidence-based Network for the Interpretation of Germline Mutant Alleles (ENIGMA)
Classification: Pathogenic for Breast-ovarian cancer, familial, susceptibility to, 2. Last evaluated: 2016-09-08. Review status: reviewed by expert panel. Criteria: ENIGMA BRCA1/2 Classification Criteria (2015). Collection method: curation. Allele origin: germline.
Comment: Variant allele predicted to encode a truncated non-functional protein.

Color Diagnostics, LLC DBA Color Health
Classification: Pathogenic for Hereditary cancer-predisposing syndrome. Last evaluated: 2022-03-08. Review status: criteria provided, single submitter. Criteria: ACMG Guidelines, 2015. Collection method: clinical testing. Allele origin: germline. Not counted in ClinVar's aggregate classification.
Comment: This variant deletes 2 nucleotides and inserts 3 nucleotides in exon 11 of the BRCA2 gene, creating a frameshift and a premature translation stop signal. This variant is expected to result in an absent or non-functional protein product. This variant has not been reported in individuals affected with hereditary cancer in the literature. This variant has not been identified in the general population by the Genome Aggregation Database (gnomAD). Loss of BRCA2 function is a known mechanism of disease. Based on the available evidence, this variant is classified as Pathogenic.

Labcorp Genetics (formerly Invitae), Labcorp
Classification: Pathogenic for Hereditary breast ovarian cancer syndrome. Last evaluated: 2021-11-17. Review status: criteria provided, single submitter. Criteria: Invitae Variant Classification Sherloc (09022015). Collection method: clinical testing. Allele origin: germline. Not counted in ClinVar's aggregate classification.
Comment: This sequence change creates a premature translational stop signal (p.Ala1689Serfs*6) in the BRCA2 gene. It is expected to result in an absent or disrupted protein product. Loss-of-function variants in BRCA2 are known to be pathogenic (PMID: 20104584). This variant is not present in population databases (gnomAD no frequency). This premature translational stop signal has been observed in individual(s) with personal and/or family history of BRCA2-related cancers (PMID: 15131399). This variant is also known as 5293delGCinsAAA . For these reasons, this variant has been classified as Pathogenic.

Ambry Genetics
Classification: Pathogenic for Hereditary cancer-predisposing syndrome. Last evaluated: 2018-03-21. Review status: criteria provided, single submitter. Criteria: Ambry Variant Classification Scheme 2023. Collection method: clinical testing. Allele origin: germline. Not counted in ClinVar's aggregate classification.
Comment: The c.5065_5066delGCinsAAA pathogenic mutation, located in coding exon 10 of the BRCA2 gene, results from the deletion of two nucleotides and insertion of 3 nucleotides causing a translational frameshift with a predicted alternate stop codon (p.A1689Kfs*6). This pathogenic mutation has been reported in one HBOC family (Lubinski J et al. Fam. Cancer. 2004;3:1-10). Of note, this mutation is also referred to as 5293delGCinsAAA in some literature. In addition to the clinical data presented in the literature, this alteration is expected to result in loss of function by premature protein truncation or nonsense-mediated mRNA decay. As such, this alteration is interpreted as a disease-causing mutation.

GeneDx
Classification: Pathogenic. Last evaluated: 2017-06-14. Review status: criteria provided, single submitter. Criteria: GeneDx Variant Classification (06012015). Collection method: clinical testing. Allele origin: germline. Affected: yes. Not counted in ClinVar's aggregate classification.
Comment: This combined deletion and insertion is denoted BRCA2 c.5065_5066delGCinsAAA at the cDNA level and p.Ala1689LysfsX6 (A1689KfsX6) at the protein level. The surrounding sequence is TGAA[delGC][insAAA]AAAAAAAT. The variant causes a frameshift which changes an Alanine to a Lysine at codon 1689, and creates a premature stop codon at position 6 of the new reading frame. This variant is predicted to cause loss of normal protein function through either protein truncation or nonsense-mediated mRNA decay. Also published as BRCA2 5293delGCinsAAA using alternate nomenclature, this variant has been reported in at least one family with breast and/or ovarian cancer (Lubinski 2004). We consider BRCA2 c.5065_5066delGCinsAAA to be pathogenic.

Research Molecular Genetics Laboratory, Women's College Hospital, University of Toronto
Classification: Pathogenic for Hereditary breast ovarian cancer syndrome. Last evaluated: 2014-01-31. Review status: no assertion criteria provided. Collection method: research. Allele origin: germline. Affected: yes. Study: The Canadian Open Genetics Repository (COGR). Not counted in ClinVar's aggregate classification.

Breast Cancer Information Core (BIC) (BRCA2)
Classification: Pathogenic for Breast-ovarian cancer, familial 2. Last evaluated: 2002-05-29. Review status: no assertion criteria provided. Collection method: clinical testing. Allele origin: germline. Affected: yes. Observed: 1 variant allele. Not counted in ClinVar's aggregate classification.

Literature cited by the submitters: PubMed 20104584 (cited by Labcorp Genetics (formerly Invitae), Labcorp); PubMed 15131399 (cited by Labcorp Genetics (formerly Invitae), Labcorp and Ambry Genetics).